The following is an entry in ClinVar:

NM_000102.4(CYP17A1):c.1112T>C (p.Ile371Thr)

Gene: CYP17A1 (cytochrome P450 family 17 subfamily A member 1; minus strand). Cytogenetic location: 10q24.32.
Variant type: single nucleotide variant.
Coding change: c.1112T>C on transcript NM_000102.4 (MANE Select); coding-DNA position 1112, T replaced by C.
Protein change: p.Ile371Thr; replaces isoleucine 371 with threonine.
Molecular consequence: missense variant.
Genome position (GRCh38, 1-based): chr10:102,832,538, A>G on the plus strand (T>C on the coding strand, the complement: CYP17A1 is on the minus strand). VCF-style: chr10-102832538-A-G. GRCh37 (hg19) VCF-style: chr10-104592295-A-G.
Other names: short protein forms I371T.
Identifiers: ClinVar variation 2573363 (VCV002573363.5), dbSNP rs766043032, ClinGen allele CA5669403.

ClinVar aggregate classification (germline): Conflicting classifications of pathogenicity. Review status: criteria provided, conflicting classifications (1 of 4 stars). 4 submissions from 4 submitters: Likely pathogenic (3); Uncertain significance (1). Last evaluated 2024-10-09.

Conditions:
Congenital adrenal hyperplasia. Identifiers: Orphanet 418, MedGen C0001627, MONDO:0018479, HP:0008258.
Deficiency of steroid 17-alpha-monooxygenase. Also called: ADRENAL HYPERPLASIA V; Congenital adrenal hyperplasia due to 17-alpha-hydroxylase deficiency; Congenital adrenal hyperplasia type 5; 17-ALPHA-HYDROXYLASE DEFICIENCY; 17-alpha-hydroxylase/17,20-lyase deficiency. Identifiers: Orphanet 90793, MedGen C0268285, MONDO:0008730, OMIM 202110.

Allele frequency attached by ClinVar (database versions not stated): gnomAD 0.00001; gnomAD exomes 0.00001; ExAC 0.00002; 1000 Genomes Project 30x 0.00016.
gnomAD v4.1: 18 of 1,611,286 alleles (0.0011%); highest among the groups gnomAD compares: South Asian, 0.018%; no homozygotes.

Submissions (4):

Victorian Clinical Genetics Services, Murdoch Childrens Research Institute
Classification: Likely pathogenic for Deficiency of steroid 17-alpha-monooxygenase. Last evaluated: 2024-10-09. Review status: criteria provided, single submitter. Criteria: ACMG Guidelines, 2015. Collection method: clinical testing. Allele origin: germline. Inheritance: Autosomal recessive inheritance. Affected: yes.
Comment: Based on the classification scheme VCGS_Germline_v1.3.4, this variant is classified as Likely pathogenic. Following criteria are met: 0102 - Loss of function is a known mechanism of disease in this gene and is associated with 17-alpha-hydroxylase/17,20-lyase deficiency (MIM#202110) and 17,20-lyase deficiency, isolated (MIM#202110). (I) 0106 - This gene is associated with autosomal recessive disease. (I) 0115 - Variants in this gene are known to have variable expressivity (OMIM; PMID: 34524979). (I) 0200 - Variant is predicted to result in a missense amino acid change from isoleucine to threonine. (I) 0252 - This variant is homozygous. (I) 0304 - Variant is present in gnomAD <0.01 for a recessive condition (v2: 7 heterozygotes, 0 homozygotes). (SP) 0502 - Missense variant with conflicting in silico predictions and low conservation. (I) 0602 - Variant is located in a hotspot region or cluster of pathogenic variants (DECIPHER). In addition, this variant is an important residue of a chemical substrate binding pocket (NCBI) and located in the cytochrome p450 domain (DECIPHER). (SP) 0705 - No comparable missense variants have previous evidence for pathogenicity. (I) 0803 - This variant has limited previous evidence of pathogenicity in unrelated individuals. This variant has been reported in an individual with mild 17α-Hydroxylase/17,20-lyase deficiency (PMID: 34524979). In addition, it has been reported once as likely pathogenic and once as a variant of uncertain significance by clinical laboratories (ClinVar). (SP) 0905 - No published segregation evidence has been identified for this variant. (I) 1002 - This variant has moderate functional evidence supporting abnormal protein function. Functional studies in HEK293 cells has shown that this variant causes reduced 17a-hydrolase and 17,20-lyase activity to around 14% and 3.6% of wild type respectively (PMID: 34524979). (SP) 1208 - Inheritance information for this variant is not currently available in this individual. (I) Legend: (SP) - Supporting pathogenic, (I) - Information, (SB) - Supporting benign

Genetic Services Laboratory, University of Chicago
Classification: Likely pathogenic. Last evaluated: 2024-09-04. Review status: criteria provided, single submitter. Criteria: ACMG Guidelines, 2015. Collection method: clinical testing. Allele origin: germline. Affected: yes.
Comment: DNA sequence analysis of the CYP17A1 gene demonstrated a sequence change, c.1112T>C, in exon 6 that results in an amino acid change, p.Ile371Thr. The p.Ile371Thr change affects a highly conserved amino acid residue located in a domain of the CYP17A1 protein that is known to be functional. The p.Ile371Thr substitution appears to be possibly damaging using several in-silico pathogenicity prediction tools (SIFT, PolyPhen2, Align GVGD, REVEL). This sequence change has been described in the gnomAD database with a frequency of 0.016% in the South Asian subpopulation (dbSNP rs766043032). In vitro enzymatic activity studies indicate that the p.Ile371Thr change causes reduction of 17α-hydroxylase and 17,20-lyase activities (PMID: 34524979). These collective evidences indicate that this sequence change is likely pathogenic.

Clinical Biochemistry Laboratory, Health Services Laboratory
Classification: Uncertain significance for Deficiency of steroid 17-alpha-monooxygenase. Last evaluated: 2023-11-20. Review status: criteria provided, single submitter. Criteria: ACMG Guidelines, 2015. Collection method: clinical testing. Allele origin: germline. Affected: yes.
Comment: ACMG:PM1 PM2 PP3

Women's Health and Genetics/Laboratory Corporation of America, LabCorp
Classification: Likely pathogenic for Congenital adrenal hyperplasia. Last evaluated: 2023-06-20. Review status: criteria provided, single submitter. Criteria: LabCorp Variant Classification Summary - May 2015. Collection method: clinical testing. Allele origin: germline.
Comment: Variant summary: CYP17A1 c.1112T>C (p.Ile371Thr) results in a non-conservative amino acid change in the encoded protein sequence. Four of five in-silico tools predict a damaging effect of the variant on protein function. The variant allele was found at a frequency of 2.4e-05 in 251090 control chromosomes. c.1112T>C has been reported in the literature in a homozygous individual affected with Congenital Adrenal Hyperplasia (Sun_2021). These data indicate that the variant may be associated with disease. At least one publication reports experimental evidence evaluating an impact on protein function indicating a severe reduction in enzyme activity (Sun_2021). The following publication have been ascertained in the context of this evaluation (PMID: 34524979). No submitters have cited clinical-significance assessments for this variant to ClinVar after 2014. Based on the evidence outlined above, the variant was classified as likely pathogenic.

Literature cited by the submitters: PubMed 34524979 (cited by Victorian Clinical Genetics Services, Murdoch Childrens Research Institute and Women's Health and Genetics/Laboratory Corporation of America, LabCorp).